The following is an entry in ClinVar:

NM_001001331.4(ATP2B2):c.1816C>T (p.Arg606Cys)

Gene: ATP2B2 (ATPase plasma membrane Ca2+ transporting 2; minus strand). Cytogenetic location: 3p25.3.
Variant type: single nucleotide variant.
Coding change: c.1816C>T on transcript NM_001001331.4 (MANE Select); coding-DNA position 1816, C replaced by T.
Protein change: p.Arg606Cys; replaces arginine 606 with cysteine.
Molecular consequence: missense variant.
Genome position (GRCh38, 1-based): chr3:10,359,967, G>A on the plus strand (C>T on the coding strand, the complement: ATP2B2 is on the minus strand). VCF-style: chr3-10359967-G-A. GRCh37 (hg19) VCF-style: chr3-10401651-G-A.
Other names: c.1681C>T, p.Arg561Cys (NM_001330611.3, NM_001353564.1, NM_001363862.1 and 1 more transcripts); short protein forms R561C, R606C.
Identifiers: ClinVar variation 3356095 (VCV003356095.1).

ClinVar aggregate classification (germline): Uncertain significance (0 of 4 stars; one submission).

Conditions:
ATP2B2-related disorder. Also called: ATP2B2-related condition.

gnomAD v4.1: 8 of 1,614,110 alleles (0.0005%); highest among the groups gnomAD compares: South Asian, 0.0011%; no homozygotes.

Submission:

PreventionGenetics, part of Exact Sciences
Classification: Uncertain significance for ATP2B2-related condition. Last evaluated: 2024-04-24. Review status: no assertion criteria provided. Collection method: clinical testing. Allele origin: germline.
Comment: The ATP2B2 c.1681C>T variant is predicted to result in the amino acid substitution p.Arg561Cys. To our knowledge, this variant has not been reported in the literature. This variant is reported in 0.0099% of alleles in individuals of Ashkenazi Jewish descent in gnomAD. At this time, the clinical significance of this variant is uncertain due to the absence of conclusive functional and genetic evidence.